The following is an entry in ClinVar:

NM_000051.4(ATM):c.8071C>T (p.Arg2691Cys)

Genes: ATM (ATM serine/threonine kinase; plus strand), C11orf65 (chromosome 11 open reading frame 65; minus strand). Cytogenetic location: 11q22.3.
Variant type: single nucleotide variant.
Coding change: c.8071C>T on transcript NM_000051.4 (MANE Select); coding-DNA position 8071, C replaced by T.
Protein change: p.Arg2691Cys; replaces arginine 2691 with cysteine.
Molecular consequence: missense variant. On other transcripts: intron variant (2).
Genome position (GRCh38, 1-based): chr11:108,335,029, C>T. VCF-style: chr11-108335029-C-T. GRCh37 (hg19) VCF-style: chr11-108205756-C-T.
Other names: c.8071C>T, p.Arg2691Cys (NM_001351834.2); c.641-25958G>A (NM_001330368.2); c.*38+191G>A (NM_001351110.2); short protein forms R2691C.
Identifiers: ClinVar variation 133636 (VCV000133636.44), dbSNP rs531980488, ClinGen allele CA157180.

ClinVar aggregate classification (germline): Uncertain significance. Review status: criteria provided, multiple submitters, no conflicts (2 of 4 stars). 20 submissions from 20 submitters: Uncertain significance (16). 4 of the submissions do not count toward it. Last evaluated 2026-04-29.

Conditions:
ATM-related cancer predisposition. Also called: ATM-related cancer susceptibility. Identifiers: MedGen CN377759, MONDO:0700270.
ATM-related disorder. Also called: ATM-related disorders; ATM-related condition.
Familial colorectal cancer type X. Identifiers: Orphanet 440437, MedGen C3896578, MONDO:0018604.
Hereditary cancer-predisposing syndrome. Also called: Neoplastic Syndromes, Hereditary; Hereditary Cancer Syndrome; Tumor predisposition; Hereditary neoplastic syndrome. Identifiers: Orphanet 140162, MedGen C0027672, MeSH D009386, MONDO:0015356.
Familial cancer of breast. Also called: BREAST CANCER, FAMILIAL; hereditary breast carcinoma; Hereditary breast cancer. Identifiers: Orphanet 227535, MedGen C0346153, MONDO:0016419, OMIM 114480. Disease mechanism: loss of function.
Ataxia-telangiectasia syndrome (AT). Also called: Ataxia-telangiectasia, complementation group D; AT, COMPLEMENTATION GROUP C; Ataxia-telangiectasia; ATAXIA-TELANGIECTASIA, COMPLEMENTATION GROUP A; ATAXIA-TELANGIECTASIA, FRESNO VARIANT; Ataxia-telangiectasia, complementation group E. Identifiers: Orphanet 100, MedGen C0004135, MONDO:0008840, OMIM 208900.
Ovarian cancer. Also called: OVARIAN CANCER, SOMATIC. Identifiers: Orphanet 213500, MedGen C1140680, MONDO:0008170, OMIM 167000.

Allele frequency attached by ClinVar (database versions not stated): ExAC 0.00011; 1000 Genomes Project 0.00020; gnomAD exomes 0.00003 and 0.00014; gnomAD 0.00011 and 0.00012; TOPMed 0.00009; 1000 Genomes Project 30x 0.00016.
gnomAD v4.1: 63 of 1,613,840 alleles (0.0039%); highest among the groups gnomAD compares: Admixed American, 0.043%; no homozygotes.

Submissions 1 to 7 of 20:

PreventionGenetics, part of Exact Sciences
Classification: Uncertain significance for ATM-related condition. Last evaluated: 2026-04-29. Review status: criteria provided, single submitter. Criteria: ACMG Guidelines, 2015. Collection method: clinical testing. Allele origin: germline.
Comment: The ATM c.8071C>T variant is predicted to result in the amino acid substitution p.Arg2691Cys. This variant has been reported in individuals with breast and/or ovarian cancer (Heikkinen et al. 2005. PubMed ID: 15756685; Adedokun et al. Xie et al. 2017. PubMed ID: 28580595. Table S3; Hauke et al. 2018. PubMed ID: 29522266. Table S2; 2019. PubMed ID: 31871109. Table S1; Kwong et al. 2020. PubMed ID: 32068069. Table S1), chronic lymphocytic leukemia (Guarini et al. 2011. PubMed ID: 21993670; Lu et al. 2015. PubMed ID: 26689913. Suppl. Data 24), thyroid cancer (Yu et al. 2015. PubMed ID: 26530882), colorectal cancer (Yurgelun et al. 2017. PubMed ID: 28135145. Table A4), and prostate cancer (Wei et al. 2019. PubMed ID: 31248605). This variant has also been reported in unaffected individuals (Tavtigian et al. 2009. PubMed ID: 19781682. Table S2). This variant is reported in 0.065% of alleles in individuals of East Asian descent in gnomAD and is interpreted as uncertain in ClinVar (Variation ID: 133636). At this time, the clinical significance of this variant is uncertain due to the absence of conclusive functional and genetic evidence.

Ambry Genetics
Classification: Uncertain significance for Hereditary cancer-predisposing syndrome. Last evaluated: 2026-04-22. Review status: criteria provided, single submitter. Criteria: Ambry Variant Classification Scheme 2023. Collection method: clinical testing. Allele origin: germline.
Comment: The p.R2691C variant (also known as c.8071C>T), located in coding exon 54 of the ATM gene, results from a C to T substitution at nucleotide position 8071. The arginine at codon 2691 is replaced by cysteine, an amino acid with highly dissimilar properties. This alteration has been reported in multiple individuals diagnosed with breast cancer (Sommer SS et al. Cancer Genet Cytogenet, 2003 Sep;145:115-20; Heikkinen K et al. Int J Cancer, 2005 Aug;116:69-72; Bernstein JL et al. J Natl Cancer Inst, 2010 Apr;102:475-83; Xie Y et al. Clin Genet, 2018 Jan;93:41-51; Adedokun B et al. Cancer Epidemiol Biomarkers Prev, 2020 02;29:359-367). This variant was detected as homozygous in individual(s) with no reported features of ataxia-telangiectasia (Ambry internal data). This amino acid position is not well conserved in available vertebrate species. In addition, this alteration is predicted to be deleterious by in silico analysis. Based on the available evidence, the clinical significance of this variant remains unclear.

Women's Health and Genetics/Laboratory Corporation of America, LabCorp
Classification: Uncertain significance. Last evaluated: 2026-02-09. Review status: criteria provided, single submitter. Criteria: LabCorp Variant Classification Summary - May 2015. Collection method: clinical testing. Allele origin: germline.
Comment: Variant summary: ATM c.8071C>T (p.Arg2691Cys) results in a non-conservative amino acid change located in the Phosphatidylinositol 3-/4-kinase, catalytic domain (IPR000403) of the encoded protein sequence. Algorithms developed to predict the effect of missense changes on protein structure and function all suggest that this variant is likely to be disruptive. The variant allele was found at a frequency of 0.00014 in 258358 control chromosomes, predominantly at a frequency of 0.00065 within the East Asian subpopulation in the gnomAD database. This frequency is not significantly higher than estimated for disease-causing variants in ATM, allowing no conclusion about variant significance. c.8071C>T has been observed in several individuals affected with Breast Cancer and other tumor phenotypes, but was also reported in several unaffected controls (e.g. Sommer_2003, Heikkinen_2005, Tavtigian_2009, Bernstein_2010, Guarini_2012, Bodian_2014, Yu_2015, Lu_2015, Yurgelun_2017, Hauke_2018, Xie_2018, Wei_2019, Adedokun_2019, Li_2020, Kwong_2020, Dorling_2021). These report(s) do not provide unequivocal conclusions about association of the variant with Breast Cancer. A recent publication reported experimental evidence evaluating an impact on protein function, and demonstrated no damaging effect of this variant (Hanenberg_2025). The following publications have been ascertained in the context of this evaluation (PMID: 31871109, 20305132, 24728327, 33471991, 21993670, 29522266, 15756685, 32068069, 32107087, 26689913, 31742824, 12935922, 19781682, 28652578, 31248605, 28580595, 26530882, 28135145, 40105422). ClinVar contains an entry for this variant (Variation ID: 133636). Based on the evidence outlined above, the variant was classified as VUS-possibly benign.

Labcorp Genetics (formerly Invitae), Labcorp
Classification: Uncertain significance for Ataxia-telangiectasia syndrome. Last evaluated: 2026-02-01. Review status: criteria provided, single submitter. Criteria: Invitae Variant Classification Sherloc (09022015). Collection method: clinical testing. Allele origin: germline.
Comment: This sequence change replaces arginine, which is basic and polar, with cysteine, which is neutral and slightly polar, at codon 2691 of the ATM protein (p.Arg2691Cys). This variant is present in population databases (rs531980488, gnomAD 0.06%). This missense change has been observed in individual(s) with breast cancer or prostate cancer (PMID: 12935922, 15756685, 19781682, 20305132, 26689913, 29522266, 31248605, 31871109). ClinVar contains an entry for this variant (Variation ID: 133636). Invitae Evidence Modeling of protein sequence and biophysical properties (such as structural, functional, and spatial information, amino acid conservation, physicochemical variation, residue mobility, and thermodynamic stability) has been performed for this missense variant. However, the output from this modeling did not meet the statistical confidence thresholds required to predict the impact of this variant on ATM protein function. In summary, the available evidence is currently insufficient to determine the role of this variant in disease. Therefore, it has been classified as a Variant of Uncertain Significance.

Athena Diagnostics
Classification: Uncertain significance. Last evaluated: 2025-11-10. Review status: criteria provided, single submitter. Criteria: Athena Diagnostics Criteria. Collection method: clinical testing. Allele origin: unknown.

Quest Diagnostics Nichols Institute San Juan Capistrano
Classification: Uncertain significance. Last evaluated: 2025-11-10. Review status: criteria provided, single submitter. Criteria: Quest Diagnostics criteria. Collection method: clinical testing. Allele origin: unknown.
Comment: The ATM c.8071C>T (p.Arg2691Cys) variant has been reported in the published literature in individuals with breast cancer (PMID: 34326862 (2021), 33471991 (2021), 32068069 (2020), 28580595 (2018), 19781682 (2009), 15756685 (2005), see also LOVD), pancreatic cancer (PMID: 29731985 (2018)), and reportedly unaffected individuals (PMID:33471991 (2021), 24728327 (2014), see also LOVD). This variant has also been identified in individuals with lung cancer (PMID: 32107087 (2020)) and colorectal cancer (PMID: 28135145 (2017)). Assessment of experimental analysis yielded inconclusive results regarding the impact of this variant on protein function (PMID: 40105422 (2025)). The frequency of this variant in the general population (Genome Aggregation Database) is higher than would generally be expected for pathogenic variants in this gene. Analysis of this variant using bioinformatics tools for the prediction of the effect of amino acid changes on protein structure and function yielded predictions that this variant is damaging. Based on the available information, we are unable to determine the clinical significance of this variant.

GeneDx
Classification: Uncertain significance. Last evaluated: 2025-09-04. Review status: criteria provided, single submitter. Criteria: GeneDx Variant Classification Process June 2021. Collection method: clinical testing. Allele origin: germline. Affected: yes.
Comment: Observed in individuals with a personal history of breast or other cancers, but also identified in unaffected controls (PMID: 20305132, 12935922, 21993670, 15756685, 19781682, 24728327, 28580595, 26530882, 28135145, 29522266, 30197789, 34326862, 28652578, 32068069, 26689913, 40638876); In silico analysis supports that this missense variant has a deleterious effect on protein structure/function; This variant is associated with the following publications: (PMID: 25563586, 24728327, 30197789, 29731985, 29134647, 12935922, 23633543, 28580595, 26530882, 19781682, 31871109, 15756685, 28135145, 21993670, 29522266, 29880898, 30311369, 33471991, 32107087, 32068069, 28652578, 26689913, 31248605, 20305132, 35406568, 31742824, 36353970, 36818616, 34326862, 36387164, 35585550, 40638876)